The following is an entry in ClinVar:

ClinVar aggregate classification (germline): Likely benign. Review status: criteria provided, multiple submitters, no conflicts (2 of 4 stars). 2 submissions from 2 submitters: Likely benign (2). Last evaluated 2023-02-24.

Allele frequency attached by ClinVar (database versions not stated): gnomAD 0.00001; gnomAD exomes 0.00001 and 0.00005; ExAC 0.00002; TOPMed 0.00002; 1000 Genomes Project 0.00020; 1000 Genomes Project 30x 0.00031.

Submissions (2):

Blueprint Genetics
Classification: Likely benign. Last evaluated: 2023-02-24. Review status: criteria provided, single submitter. Criteria: ACMG Guidelines, 2015. Collection method: clinical testing. Allele origin: germline.

Laboratory for Molecular Medicine, Mass General Brigham Personalized Medicine
Classification: Likely benign. Last evaluated: 2017-03-20. Review status: criteria provided, single submitter. Criteria: LMM Criteria. Collection method: clinical testing. Allele origin: germline. Observed: 1 variant allele.
Comment: p.Arg487Arg in exon 7 of ILDR1: This variant is not expected to have clinical si gnificance because it does not alter an amino acid residue and is not located wi thin the splice consensus sequence. This variant has been identified in 2/8524 E ast Asian chromosomes by the Exome Aggregation Consortium (ExAC; dbSNP rs189004426).

NM_001199799.2(ILDR1):c.1461G>A (p.Arg487=)

Gene: ILDR1 (immunoglobulin like domain containing receptor 1; minus strand). Cytogenetic location: 3q13.33.
Variant type: single nucleotide variant.
Coding change: c.1461G>A on transcript NM_001199799.2 (MANE Select); coding-DNA position 1461, G replaced by A.
Protein change: p.Arg487=; no amino-acid change (arginine 487 retained).
Molecular consequence: synonymous variant.
Genome position (GRCh38, 1-based): chr3:121,993,288, C>T on the plus strand (G>A on the coding strand, the complement: ILDR1 is on the minus strand). VCF-style: chr3-121993288-C-T. GRCh37 (hg19) VCF-style: chr3-121712135-C-T.
Other names: c.1194G>A, p.Arg398= (NM_001199800.2); c.1329G>A, p.Arg443= (NM_175924.4).
Identifiers: ClinVar variation 517321 (VCV000517321.5), dbSNP rs189004426, ClinGen allele CA2568669.